The following is an entry in ClinVar:

ClinVar aggregate classification (germline): Pathogenic. Review status: reviewed by expert panel (3 of 4 stars). 6 submissions from 6 submitters: Pathogenic (1). 5 of the submissions do not count toward it. Last evaluated 2024-08-07.

Conditions:
Centronuclear myopathy (CNM). Also called: Centronuclear myopathy, congenital; Myotubular myopathy. Identifiers: Orphanet 595, MedGen C0175709, MONDO:0018947. Inheritance: All.
Severe X-linked myotubular myopathy (CNMX). Also called: MYOTUBULAR MYOPATHY 1; X-linked centronuclear myopathy; Myotubular myopathy, X-linked. Identifiers: Orphanet 596, MedGen C0410203, MONDO:0010683, OMIM 310400.

Submissions (6):

ClinGen Congenital Myopathies Variant Curation Expert Panel, ClinGen
Classification: Pathogenic for Centronuclear myopathy. Last evaluated: 2024-08-07. Review status: reviewed by expert panel. Criteria: ClinGen CongenMyopathy ACMG Specifications MTM1 V1.0.0. Collection method: curation. Allele origin: germline. Inheritance: X-linked inheritance.
Comment: The c.670C>T (p.Arg224Ter) variant in MTM1 is a nonsense variant predicted to cause a premature stop codon in biologically relevant exon 8/15 and to lead to nonsense mediated decay in a gene in which loss-of-function is an established disease mechanism (PVS1). This variant is absent from gnomAD v4.1.0 (PM2_Supporting). This variant has been reported in 5 probands with X-linked myotubular myopathy (PS4; PMID: 9305655, 10063835, 11552027). In summary, this variant meets the criteria to be classified as pathogenic for X-linked centronuclear myopathy based on the ACMG/AMP criteria applied, as specified by the ClinGen Congenital Myopathies VCEP: PVS1, PS4, PM2_Supporting. (ClinGen Congenital Myopathies VCEP specifications version 1; 8/7/2024)

Laboratory of Genetics, Children's Clinical University Hospital Latvia
Classification: Pathogenic. Last evaluated: 2025-02-16. Review status: criteria provided, single submitter. Criteria: ACMG Guidelines, 2015. Collection method: clinical testing. Allele origin: germline. Affected: yes. Not counted in ClinVar's aggregate classification.

Labcorp Genetics (formerly Invitae), Labcorp
Classification: Pathogenic for Severe X-linked myotubular myopathy. Last evaluated: 2023-11-05. Review status: criteria provided, single submitter. Criteria: Invitae Variant Classification Sherloc (09022015). Collection method: clinical testing. Allele origin: germline. Not counted in ClinVar's aggregate classification.
Comment: This sequence change creates a premature translational stop signal (p.Arg224*) in the MTM1 gene. It is expected to result in an absent or disrupted protein product. Loss-of-function variants in MTM1 are known to be pathogenic (PMID: 9305655, 10063835). This variant is not present in population databases (gnomAD no frequency). This premature translational stop signal has been observed in individuals with myotubular myopathy and progressive limb girdle and facial weakness (PMID: 9305655, 11552027). ClinVar contains an entry for this variant (Variation ID: 11060). For these reasons, this variant has been classified as Pathogenic.

Women's Health and Genetics/Laboratory Corporation of America, LabCorp
Classification: Pathogenic for Severe X-linked myotubular myopathy. Last evaluated: 2022-03-29. Review status: criteria provided, single submitter. Criteria: LabCorp Variant Classification Summary - May 2015. Collection method: clinical testing. Allele origin: germline. Not counted in ClinVar's aggregate classification.
Comment: Variant summary: MTM1 c.670C>T (p.Arg224X) results in a premature termination codon, predicted to cause a truncation of the encoded protein or absence of the protein due to nonsense mediated decay, which are commonly known mechanisms for disease. Truncations downstream of this position have been reported in databases. The variant was absent in 182637 control chromosomes. c.670C>T has been reported in the literature in individuals affected with Severe X-Linked Myotubular Myopathy. These data indicate that the variant is likely to be associated with disease. One clinical diagnostic laboratory has submitted clinical-significance assessments for this variant to ClinVar after 2014 without evidence for independent evaluation and classified the variant as pathogenic/likely pathogenic. Based on the evidence outlined above, the variant was classified as pathogenic.

Genetic Services Laboratory, University of Chicago
Classification: Pathogenic for Myotubular myopathy, X-linked. Last evaluated: 2013-02-08. Review status: criteria provided, single submitter. Criteria: ACMG Guidelines, 2007. Collection method: clinical testing. Allele origin: germline. Inheritance: X-linked inheritance. Affected: yes. Not counted in ClinVar's aggregate classification.

OMIM
Classification: Pathogenic for MYOTUBULAR MYOPATHY, X-LINKED. Last evaluated: 2001-09-11. Review status: no assertion criteria provided. Collection method: literature only. Allele origin: germline. Not counted in ClinVar's aggregate classification.

Literature cited by the submitters: PubMed 9305655 (cited by Labcorp Genetics (formerly Invitae), Labcorp); PubMed 10063835 (cited by Labcorp Genetics (formerly Invitae), Labcorp); PubMed 11552027 (cited by Labcorp Genetics (formerly Invitae), Labcorp and OMIM); PubMed 10790201 (cited by Women's Health and Genetics/Laboratory Corporation of America, LabCorp).

NM_000252.3(MTM1):c.670C>T (p.Arg224Ter)

Gene: MTM1 (myotubularin 1; plus strand). Cytogenetic location: Xq28.
Variant type: single nucleotide variant.
Coding change: c.670C>T on transcript NM_000252.3 (MANE Select); coding-DNA position 670, C replaced by T.
Protein change: p.Arg224Ter; replaces arginine 224 with a stop codon.
Molecular consequence: nonsense.
Genome position (GRCh38, 1-based): chrX:150,641,410, C>T. VCF-style: chrX-150641410-C-T. GRCh37 (hg19) VCF-style: chrX-149809883-C-T.
Other names: NM_000252.3(MTM1):c.670C>T; p.Arg224Ter; c.670C>T, p.Arg224Ter (NM_001376906.1, NM_001376908.1); c.559C>T, p.Arg187Ter (NM_001376907.1); short protein forms R224*, R187*.
Identifiers: ClinVar variation 11060 (VCV000011060.20), dbSNP rs132630306, ClinGen allele CA255672.